The following is an entry in ClinVar:

ClinVar aggregate classification (germline): Pathogenic (1 of 4 stars; one submission).

Submission:

Labcorp Genetics (formerly Invitae), Labcorp
Classification: Pathogenic. Last evaluated: 2019-10-17. Review status: criteria provided, single submitter. Criteria: Invitae Variant Classification Sherloc (09022015). Collection method: clinical testing. Allele origin: germline.
Comment: This sequence change inserts a large fragment of DNA, likely a transposable element, in exon 4 of the RP1 gene (c.4052_4053insAlu), causing a frameshift at codon 1352 (p.Tyr1352Alafs*9). The exact size and sequence of the insertion cannot be determined by the current assay. However, the insertion is expected to result in an absent or disrupted protein product. This variant is not present in population databases (ExAC no frequency). A similar variant has been observed in individual(s) with autosomal recessive retinal disease (PMID: 30913292, 31253780). In at least one individual the data is consistent with the variant being in trans (on the opposite chromosome) from a pathogenic variant. That variant is also known as c.4052_4053ins328 (p.Tyr1352Alafs*9) in the literature. This variant disrupts the C-terminus of the RP1 protein. Many variants that disrupt this region have been reported in individuals with either autosomal dominant or autosomal recessive retinitis pigmentosa (PMID: 11527933, 19933189, 29425069, 30027431). Therefore, variants that disrupt this region are expected to be disease-causing. Retrotransposon insertions including LINE1 (L1), Alu, and SVA (SINE-VNTR-Alu) have been reported to disrupt protein function (PMID: 19763152, 20307669, 22406018). For these reasons, this variant has been classified as Pathogenic.

Literature cited by the submitters: PubMed 20307669; PubMed 29425069; PubMed 19933189; PubMed 11527933; PubMed 22406018; PubMed 30027431; PubMed 19763152; PubMed 31253780; PubMed 30913292.

NM_006269.1:c.4052_4053insAlu

Gene: RP1 (RP1 axonemal microtubule associated; plus strand). Cytogenetic location: 8q11.23-12.1.
Variant type: Insertion.
Identifiers: ClinVar variation 870283 (VCV000870283.1).